The following is an entry in ClinVar:

ClinVar aggregate classification (germline): Uncertain significance (1 of 4 stars; one submission).

Conditions:
Fanconi anemia (FA). Also called: Fanconi's anemia. Identifiers: Orphanet 84, MedGen C0015625, MeSH D005199, MONDO:0019391.

gnomAD v4.1: 1 of 1,612,930 alleles (0.000062%); highest among the groups gnomAD compares: Non-Finnish European, 0.000085%; no homozygotes.

Submission:

Labcorp Genetics (formerly Invitae), Labcorp
Classification: Uncertain significance for Fanconi anemia. Last evaluated: 2025-04-22. Review status: criteria provided, single submitter. Criteria: Invitae Variant Classification Sherloc (09022015). Collection method: clinical testing. Allele origin: germline.
Comment: This sequence change replaces glutamine, which is neutral and polar, with lysine, which is basic and polar, at codon 1277 of the FANCI protein (p.Gln1277Lys). This variant is not present in population databases (gnomAD no frequency). This variant has not been reported in the literature in individuals affected with FANCI-related conditions. Invitae Evidence Modeling of protein sequence and biophysical properties (such as structural, functional, and spatial information, amino acid conservation, physicochemical variation, residue mobility, and thermodynamic stability) indicates that this missense variant is expected to disrupt FANCI protein function with a positive predictive value of 80%. In summary, the available evidence is currently insufficient to determine the role of this variant in disease. Therefore, it has been classified as a Variant of Uncertain Significance.

NM_001113378.2(FANCI):c.3829C>A (p.Gln1277Lys)

Gene: FANCI (FA complementation group I; plus strand). Cytogenetic location: 15q26.1.
Variant type: single nucleotide variant.
Coding change: c.3829C>A on transcript NM_001113378.2 (MANE Select); coding-DNA position 3829, C replaced by A.
Protein change: p.Gln1277Lys; replaces glutamine 1277 with lysine.
Molecular consequence: missense variant.
Genome position (GRCh38, 1-based): chr15:89,315,294, C>A. VCF-style: chr15-89315294-C-A. GRCh37 (hg19) VCF-style: chr15-89858525-C-A.
Other names: c.3550C>A, p.Gln1184Lys (NM_001376910.1); c.3829C>A, p.Gln1277Lys (NM_001376911.1); c.3649C>A, p.Gln1217Lys (NM_018193.3); short protein forms Q1217K, Q1184K, Q1277K.
Identifiers: ClinVar variation 4741457 (VCV004741457.1).